The following is an entry in ClinVar:

ClinVar aggregate classification (germline): Benign. Review status: criteria provided, multiple submitters, no conflicts (2 of 4 stars). 3 submissions from 3 submitters: Benign (2). 1 of the submissions does not count toward it. Last evaluated 2024-01-18.

Conditions:
HERC1-related disorder. Also called: HERC1-related condition.

Allele frequency attached by ClinVar (database versions not stated): gnomAD 0.00001 and 0.00008; TOPMed 0.00003; gnomAD exomes 0.00016 and 0.00031; ExAC 0.00043; 1000 Genomes Project 30x 0.00047; 1000 Genomes Project 0.00060.
gnomAD v4.1: 249 of 1,610,032 alleles (0.015%); highest among the groups gnomAD compares: South Asian, 0.23%; 1 homozygote.

Submissions (3):

Labcorp Genetics (formerly Invitae), Labcorp
Classification: Benign. Last evaluated: 2024-01-18. Review status: criteria provided, single submitter. Criteria: Invitae Variant Classification Sherloc (09022015). Collection method: clinical testing. Allele origin: germline.

Breakthrough Genomics
Classification: Benign. Review status: criteria provided, single submitter. Criteria: ACMG Guidelines, 2015. Collection method: not provided. Allele origin: germline. Inheritance: Autosomal recessive inheritance. Affected: yes.

PreventionGenetics, part of Exact Sciences
Classification: Likely benign for HERC1-related condition. Last evaluated: 2023-01-24. Review status: no assertion criteria provided. Collection method: clinical testing. Allele origin: germline. Not counted in ClinVar's aggregate classification.
Comment: This variant is classified as likely benign based on ACMG/AMP sequence variant interpretation guidelines (Richards et al. 2015 PMID: 25741868, with internal and published modifications).

NM_003922.4(HERC1):c.14406C>T (p.Tyr4802=)

Gene: HERC1 (HECT and RLD domain containing E3 ubiquitin protein ligase family member 1; minus strand). Cytogenetic location: 15q22.31.
Variant type: single nucleotide variant.
Coding change: c.14406C>T on transcript NM_003922.4 (MANE Select); coding-DNA position 14406, C replaced by T.
Protein change: p.Tyr4802=; no amino-acid change (tyrosine 4802 retained).
Molecular consequence: synonymous variant.
Genome position (GRCh38, 1-based): chr15:63,609,261, G>A on the plus strand (C>T on the coding strand, the complement: HERC1 is on the minus strand). VCF-style: chr15-63609261-G-A. GRCh37 (hg19) VCF-style: chr15-63901460-G-A.
Identifiers: ClinVar variation 758095 (VCV000758095.11), dbSNP rs576248226, ClinGen allele CA7603485.
Genomic context (GRCh38, chr15:63,609,261, plus strand): 5'-GCTGGAGTACGGGGGCAGCCTCAGCTGGAAGAAGCAGGTCTGTGAGGTAGGCAGACTGTC[G>A]TAAGGCTGTGGAGAGAGACCCAGAGCCGTGACTGGGGACATCAGAGTGCCATAAGGGGGA-3'
Protein context (NP_003913.3, residues 4792-4812): RFQIMKVDRP[Tyr4802=]DSLPTSQTCF